The following is an entry in ClinVar:

NM_015231.3(NUP160):c.2569T>C (p.Leu857=)

Gene: NUP160 (nucleoporin 160; minus strand). Cytogenetic location: 11p11.2.
Variant type: single nucleotide variant.
Coding change: c.2569T>C on transcript NM_015231.3 (MANE Select); coding-DNA position 2569, T replaced by C.
Protein change: p.Leu857=; no amino-acid change (leucine 857 retained).
Molecular consequence: synonymous variant. On other transcripts: non-coding transcript variant (1).
Genome position (GRCh38, 1-based): chr11:47,804,554, A>G on the plus strand (T>C on the coding strand, the complement: NUP160 is on the minus strand). VCF-style: chr11-47804554-A-G. GRCh37 (hg19) VCF-style: chr11-47826106-A-G.
Identifiers: ClinVar variation 2180589 (VCV002180589.4), dbSNP rs200803942, ClinGen allele CA5980948.

ClinVar aggregate classification (germline): Uncertain significance (1 of 4 stars; one submission).

Allele frequency attached by ClinVar (database versions not stated): TOPMed 0.00002; gnomAD 0.00003; gnomAD exomes 0.00003; ExAC 0.00004; 1000 Genomes Project 30x 0.00016; 1000 Genomes Project 0.00020.
gnomAD v4.1: 52 of 1,534,524 alleles (0.0034%); highest among the groups gnomAD compares: East Asian, 0.13%; no homozygotes.

Submission:

Labcorp Genetics (formerly Invitae), Labcorp
Classification: Uncertain significance. Last evaluated: 2022-04-13. Review status: criteria provided, single submitter. Criteria: Invitae Variant Classification Sherloc (09022015). Collection method: clinical testing. Allele origin: germline.
Comment: In summary, the available evidence is currently insufficient to determine the role of this variant in disease. Therefore, it has been classified as a Variant of Uncertain Significance. Algorithms developed to predict the effect of sequence changes on RNA splicing suggest that this variant may create or strengthen a splice site. This variant has not been reported in the literature in individuals affected with NUP160-related conditions. This variant is present in population databases (rs200803942, gnomAD 0.04%). This sequence change affects codon 891 of the NUP160 mRNA. It is a 'silent' change, meaning that it does not change the encoded amino acid sequence of the NUP160 protein.